The following is an entry in ClinVar:

NM_004055.5(CAPN5):c.1201G>A (p.Val401Ile)

Gene: CAPN5 (calpain 5; plus strand). Cytogenetic location: 11q13.5.
Variant type: single nucleotide variant.
Coding change: c.1201G>A on transcript NM_004055.5 (MANE Select); coding-DNA position 1201, G replaced by A.
Protein change: p.Val401Ile; replaces valine 401 with isoleucine.
Molecular consequence: missense variant.
Genome position (GRCh38, 1-based): chr11:77,119,063, G>A. VCF-style: chr11-77119063-G-A. GRCh37 (hg19) VCF-style: chr11-76830109-G-A.
Other names: short protein forms V401I.
Identifiers: ClinVar variation 1719932 (VCV001719932.5), dbSNP rs1481558406, ClinGen allele CA381942204.

ClinVar aggregate classification (germline): Uncertain significance (1 of 4 stars; one submission).

Allele frequency attached by ClinVar (database versions not stated): gnomAD exomes below 0.00001; TOPMed below 0.00001; gnomAD 0.00001.
gnomAD v4.1: 3 of 1,613,964 alleles (0.00019%); highest among the groups gnomAD compares: African/African-American, 0.0027%; no homozygotes.

Submission:

Labcorp Genetics (formerly Invitae), Labcorp
Classification: Uncertain significance. Last evaluated: 2022-09-21. Review status: criteria provided, single submitter. Criteria: Invitae Variant Classification Sherloc (09022015). Collection method: clinical testing. Allele origin: germline.
Comment: This variant has not been reported in the literature in individuals affected with CAPN5-related conditions. In summary, the available evidence is currently insufficient to determine the role of this variant in disease. Therefore, it has been classified as a Variant of Uncertain Significance. Advanced modeling of protein sequence and biophysical properties (such as structural, functional, and spatial information, amino acid conservation, physicochemical variation, residue mobility, and thermodynamic stability) performed at Invitae indicates that this missense variant is not expected to disrupt CAPN5 protein function. This variant is not present in population databases (gnomAD no frequency). This sequence change replaces valine, which is neutral and non-polar, with isoleucine, which is neutral and non-polar, at codon 401 of the CAPN5 protein (p.Val401Ile).